The following is an entry in ClinVar:

ClinVar aggregate classification (germline): Likely benign (1 of 4 stars; one submission).

gnomAD v4.1: 2 of 1,613,458 alleles (0.00012%); highest among the groups gnomAD compares: Non-Finnish European, 0.00017%; no homozygotes.

Submission:

CeGaT Center for Human Genetics Tuebingen
Classification: Likely benign. Last evaluated: 2024-07-01. Review status: criteria provided, single submitter. Criteria: CeGaT Center For Human Genetics Tuebingen Variant Classification Criteria Version 2. Collection method: clinical testing. Allele origin: germline. Affected: yes. Observed: 1 variant allele.
Comment: UBE3C: BP4, BP7

NM_014671.3(UBE3C):c.1812T>C (p.Val604=)

Gene: UBE3C (ubiquitin protein ligase E3C; plus strand). Cytogenetic location: 7q36.3.
Variant type: single nucleotide variant.
Coding change: c.1812T>C on transcript NM_014671.3 (MANE Select); coding-DNA position 1812, T replaced by C.
Protein change: p.Val604=; no amino-acid change (valine 604 retained).
Molecular consequence: synonymous variant.
Genome position (GRCh38, 1-based): chr7:157,216,869, T>C. VCF-style: chr7-157216869-T-C. GRCh37 (hg19) VCF-style: chr7-157009563-T-C.
Identifiers: ClinVar variation 3257377 (VCV003257377.17).